The following is an entry in ClinVar:

ClinVar aggregate classification (germline): Likely benign. Review status: criteria provided, multiple submitters, no conflicts (2 of 4 stars). 4 submissions from 4 submitters: Likely benign (4). Last evaluated 2025-08-25.

Conditions:
Tuberous sclerosis syndrome (TSC). Also called: Tuberous Sclerosis Complex; Tuberous sclerosis. Identifiers: Orphanet 805, MedGen C0041341, MONDO:0001734.
Tuberous sclerosis 2 (TSC2). Identifiers: Orphanet 805, MedGen C1860707, MONDO:0013199, OMIM 613254.

Allele frequency attached by ClinVar (database versions not stated): gnomAD 0.00001; TOPMed 0.00001.
gnomAD v4.1: 6 of 1,613,334 alleles (0.00037%); highest among the groups gnomAD compares: Admixed American, 0.0033%; no homozygotes.

Submissions (4):

Labcorp Genetics (formerly Invitae), Labcorp
Classification: Likely benign for Tuberous sclerosis 2. Last evaluated: 2025-08-25. Review status: criteria provided, single submitter. Criteria: Invitae Variant Classification Sherloc (09022015). Collection method: clinical testing. Allele origin: germline.

Myriad Genetics, Inc.
Classification: Likely benign for Tuberous sclerosis 2. Last evaluated: 2025-05-15. Review status: criteria provided, single submitter. Criteria: Myriad Autosomal Dominant, Autosomal Recessive and X-Linked Classification Criteria (2023). Collection method: clinical testing. Allele origin: unknown.
Comment: This variant is considered likely benign. This variant is intronic and is not expected to impact mRNA splicing.

Color Diagnostics, LLC DBA Color Health
Classification: Likely benign for Tuberous sclerosis syndrome. Last evaluated: 2022-11-22. Review status: criteria provided, single submitter. Criteria: ACMG Guidelines, 2015. Collection method: clinical testing. Allele origin: germline.

GeneDx
Classification: Likely benign. Last evaluated: 2019-08-15. Review status: criteria provided, single submitter. Criteria: GeneDx Variant Classification Process June 2021. Collection method: clinical testing. Allele origin: germline. Affected: yes.

NM_000548.5(TSC2):c.1840-13C>T

Gene: TSC2 (TSC complex subunit 2; plus strand). Cytogenetic location: 16p13.3.
Variant type: single nucleotide variant.
Coding change: c.1840-13C>T on transcript NM_000548.5 (MANE Select); 13 bases into the intron before coding-DNA position 1840, C replaced by T.
Molecular consequence: intron variant.
Genome position (GRCh38, 1-based): chr16:2,071,497, C>T. VCF-style: chr16-2071497-C-T. GRCh37 (hg19) VCF-style: chr16-2121498-C-T.
Other names: c.1840-13C>T (NM_001114382.3, NM_021055.3, NM_001370405.1 and 3 more transcripts); c.1729-13C>T (NM_001318827.2); c.1240-13C>T (NM_001318831.2); c.1693-13C>T (NM_001318829.2); c.1873-13C>T (NM_001318832.2).
Identifiers: ClinVar variation 1239891 (VCV001239891.9), dbSNP rs1186556063, ClinGen allele CA718908213.